The following is an entry in ClinVar:

NM_003072.5(SMARCA4):c.1286C>T (p.Ala429Val)

Gene: SMARCA4 (SWI/SNF related BAF chromatin remodeling complex subunit ATPase 4; plus strand). Cytogenetic location: 19p13.2.
Variant type: single nucleotide variant.
Coding change: c.1286C>T on transcript NM_003072.5 (MANE Select); coding-DNA position 1286, C replaced by T.
Protein change: p.Ala429Val; replaces alanine 429 with valine.
Molecular consequence: missense variant. On other transcripts: non-coding transcript variant (1).
Genome position (GRCh38, 1-based): chr19:10,991,190, C>T. VCF-style: chr19-10991190-C-T. GRCh37 (hg19) VCF-style: chr19-11101866-C-T.
Other names: c.1286C>T, p.Ala429Val (NM_001128844.3, NM_001128845.2, NM_001128846.2 and 5 more transcripts); short protein forms A429V.
Identifiers: ClinVar variation 408601 (VCV000408601.45), dbSNP rs569715577, ClinGen allele CA16615911.

ClinVar aggregate classification (germline): Uncertain significance. Review status: criteria provided, multiple submitters, no conflicts (2 of 4 stars). 6 submissions from 6 submitters: Uncertain significance (6). Last evaluated 2025-10-21.

Conditions:
Hereditary cancer-predisposing syndrome. Also called: Tumor predisposition; Hereditary neoplastic syndrome; Hereditary Cancer Syndrome; Neoplastic Syndromes, Hereditary. Identifiers: Orphanet 140162, MedGen C0027672, MeSH D009386, MONDO:0015356.
Intellectual disability, autosomal dominant 16 (CSS4). Also called: COFFIN-SIRIS SYNDROME 4. Identifiers: Orphanet 1465, MedGen C3553249, MONDO:0013821, OMIM 614609.
Rhabdoid tumor predisposition syndrome 2 (RTPS2). Identifiers: Orphanet 231108, Orphanet 69077, MedGen C2750074, MONDO:0013224, OMIM 613325.

Allele frequency attached by ClinVar (database versions not stated): gnomAD exomes 0.00001; TOPMed 0.00002; gnomAD 0.00003.
gnomAD v4.1: 12 of 1,613,764 alleles (0.00074%); highest among the groups gnomAD compares: African/African-American, 0.0027%; no homozygotes.

Submissions (6):

Labcorp Genetics (formerly Invitae), Labcorp
Classification: Uncertain significance for Rhabdoid tumor predisposition syndrome 2. Last evaluated: 2025-10-21. Review status: criteria provided, single submitter. Criteria: Invitae Variant Classification Sherloc (09022015). Collection method: clinical testing. Allele origin: germline.
Comment: This sequence change replaces alanine, which is neutral and non-polar, with valine, which is neutral and non-polar, at codon 429 of the SMARCA4 protein (p.Ala429Val). The frequency data for this variant in the population databases is considered unreliable, as metrics indicate poor data quality at this position in the gnomAD database. This variant has not been reported in the literature in individuals affected with SMARCA4-related conditions. ClinVar contains an entry for this variant (Variation ID: 408601). Invitae Evidence Modeling of protein sequence and biophysical properties (such as structural, functional, and spatial information, amino acid conservation, physicochemical variation, residue mobility, and thermodynamic stability) indicates that this missense variant is expected to disrupt SMARCA4 protein function with a positive predictive value of 95%. In summary, the available evidence is currently insufficient to determine the role of this variant in disease. Therefore, it has been classified as a Variant of Uncertain Significance.

Ambry Genetics
Classification: Uncertain significance for Hereditary cancer-predisposing syndrome. Last evaluated: 2025-08-27. Review status: criteria provided, single submitter. Criteria: Ambry Variant Classification Scheme 2023. Collection method: clinical testing. Allele origin: germline.

Quest Diagnostics Nichols Institute San Juan Capistrano
Classification: Uncertain significance. Last evaluated: 2025-07-22. Review status: criteria provided, single submitter. Criteria: Quest Diagnostics criteria. Collection method: clinical testing. Allele origin: unknown.
Comment: The SMARCA4 c.1286C>T (p.Ala429Val) variant has been reported in the published literature in tumors (PMID: 27149842 (2016), 31747416 (2019), 35871080 (2022)). The frequency of this variant in the general population (Genome Aggregation Database) is uninformative in the assessment of its pathogenicity. Analysis of this variant using bioinformatics tools for the prediction of the effect of amino acid changes on protein structure and function yielded conflicting predictions that this variant is deleterious or benign. Based on the available information, we are unable to determine the clinical significance of this variant.

CeGaT Center for Human Genetics Tuebingen
Classification: Uncertain significance. Last evaluated: 2022-05-01. Review status: criteria provided, single submitter. Criteria: CeGaT Center For Human Genetics Tuebingen Variant Classification Criteria Version 2. Collection method: clinical testing. Allele origin: germline. Affected: yes. Observed: 1 variant allele.
Comment: SMARCA4: PP2

Sema4
Classification: Uncertain significance for Hereditary cancer-predisposing syndrome. Last evaluated: 2021-11-01. Review status: criteria provided, single submitter. Criteria: Sema4 Curation Guidelines. Collection method: curation. Allele origin: germline.
Comment: The SMARCA4 c.1286C>T (p.A429V) variant has not been reported in the literature to our knowledge. This variant was observed in 1/30586 chromosomes in the South Asian subpopulation in the large and broad cohorts of the Genome Aggregation Database (PMID: 32461654). This variant has been reported in ClinVar (Variation ID: 408601). Functional studies have not been performed, and in silico predictions of the variant's effect on protein function are inconclusive. The evidence is insufficient to meet ACMG/AMP criteria for classifying the variant as benign or pathogenic. Thus, the clinical significance of this variant is currently uncertain.

Genome-Nilou Lab
Classification: Uncertain significance for Intellectual disability, autosomal dominant 16. Last evaluated: 2021-07-15. Review status: criteria provided, single submitter. Criteria: ACMG Guidelines, 2015. Collection method: clinical testing. Allele origin: germline. Affected: no.

Literature cited by the submitters: PubMed 31747416 (cited by Quest Diagnostics Nichols Institute San Juan Capistrano); PubMed 35871080 (cited by Quest Diagnostics Nichols Institute San Juan Capistrano); PubMed 27149842 (cited by Quest Diagnostics Nichols Institute San Juan Capistrano).